The following is an entry in ClinVar:

NM_000222.3(KIT):c.802A>C (p.Asn268His)

Gene: KIT (KIT proto-oncogene, receptor tyrosine kinase; plus strand). Cytogenetic location: 4q12.
Variant type: single nucleotide variant.
Coding change: c.802A>C on transcript NM_000222.3 (MANE Select); coding-DNA position 802, A replaced by C.
Protein change: p.Asn268His; replaces asparagine 268 with histidine.
Molecular consequence: missense variant.
Genome position (GRCh38, 1-based): chr4:54,703,769, A>C. VCF-style: chr4-54703769-A-C. GRCh37 (hg19) VCF-style: chr4-55569935-A-C.
Other names: c.802A>C, p.Asn268His (NM_001093772.2, NM_001385285.1, NM_001385286.1); c.805A>C, p.Asn269His (NM_001385284.1, NM_001385288.1, NM_001385290.1 and 1 more transcripts); short protein forms N269H, N268H.
Identifiers: ClinVar variation 2851103 (VCV002851103.3), dbSNP rs2475469296, ClinGen allele CA356899497.
Genomic context (GRCh38, chr4:54,703,769, plus strand): 5'-TTCTGAAACCAGCAGACTAAACTACAGGAGAAATATAATAGCTGGCATCACGGTGACTTC[A>C]ATTATGAACGTCAGGCAACGTTGACTATCAGTTCAGCGAGAGTTAATGATTCTGGAGTGT-3'
Protein context (NP_000213.1, residues 258-278): KYNSWHHGDF[Asn268His]YERQATLTIS

ClinVar aggregate classification (germline): Uncertain significance (1 of 4 stars; one submission).

Conditions:
Gastrointestinal stromal tumor. Also called: Gastrointestinal stromal tumor, somatic; Gastrointestinal stroma tumor. Identifiers: Orphanet 44890, MedGen C0238198, MeSH D046152, MONDO:0011719, OMIM 606764, HP:0100723.

Allele frequency attached by ClinVar (database versions not stated): gnomAD exomes below 0.00001.

Submission:

Labcorp Genetics (formerly Invitae), Labcorp
Classification: Uncertain significance for Gastrointestinal stromal tumor. Last evaluated: 2023-06-14. Review status: criteria provided, single submitter. Criteria: Invitae Variant Classification Sherloc (09022015). Collection method: clinical testing. Allele origin: germline.
Comment: Algorithms developed to predict the effect of missense changes on protein structure and function output the following: SIFT: "Not Available"; PolyPhen-2: "Benign"; Align-GVGD: "Not Available". The histidine amino acid residue is found in multiple mammalian species, which suggests that this missense change does not adversely affect protein function. In summary, the available evidence is currently insufficient to determine the role of this variant in disease. Therefore, it has been classified as a Variant of Uncertain Significance. This variant has not been reported in the literature in individuals affected with KIT-related conditions. This variant is not present in population databases (gnomAD no frequency). This sequence change replaces asparagine, which is neutral and polar, with histidine, which is basic and polar, at codon 268 of the KIT protein (p.Asn268His).